The following is an entry in ClinVar:

NM_001261826.3(AP3D1):c.1641G>T (p.Gln547His)

Gene: AP3D1 (adaptor related protein complex 3 subunit delta 1; minus strand). Cytogenetic location: 19p13.3.
Variant type: single nucleotide variant.
Coding change: c.1641G>T on transcript NM_001261826.3 (MANE Select); coding-DNA position 1641, G replaced by T.
Protein change: p.Gln547His; replaces glutamine 547 with histidine.
Molecular consequence: missense variant.
Genome position (GRCh38, 1-based): chr19:2,118,673, C>A on the plus strand (G>T on the coding strand, the complement: AP3D1 is on the minus strand). VCF-style: chr19-2118673-C-A. GRCh37 (hg19) VCF-style: chr19-2118672-C-A.
Other names: c.1641G>T (NM_003938.5, NM_001261826.1); c.1641G>T, p.Gln547His (NM_001374799.1, NM_003938.8); short protein forms Q547H.
Identifiers: ClinVar variation 1421953 (VCV001421953.8), dbSNP rs761975746, ClinGen allele CA9059258.

ClinVar aggregate classification (germline): Uncertain significance. Review status: criteria provided, multiple submitters, no conflicts (2 of 4 stars). 3 submissions from 3 submitters: Uncertain significance (3). Last evaluated 2026-03-05.

Conditions:
AP3D1-related disorder. Also called: AP3D1-related condition.
Inborn genetic diseases. Identifiers: MedGen C0950123, MeSH D030342.

Allele frequency attached by ClinVar (database versions not stated): ExAC 0.00002; TOPMed 0.00003.
gnomAD v4.1: 29 of 1,613,156 alleles (0.0018%); highest among the groups gnomAD compares: Admixed American, 0.047%; no homozygotes.

Submissions (3):

PreventionGenetics, part of Exact Sciences
Classification: Uncertain significance for AP3D1-related condition. Last evaluated: 2026-03-05. Review status: criteria provided, single submitter. Criteria: ACMG Guidelines, 2015. Collection method: clinical testing. Allele origin: germline.
Comment: The AP3D1 c.1641G>T variant is predicted to result in the amino acid substitution p.Gln547His. To our knowledge, this variant has not been reported in the literature. This variant is reported in 0.061% of alleles in individuals of Latino descent in gnomAD. Although we suspect that this variant may be benign, at this time, the clinical significance of this variant is uncertain due to the absence of conclusive functional and genetic evidence.

Labcorp Genetics (formerly Invitae), Labcorp
Classification: Uncertain significance. Last evaluated: 2025-10-01. Review status: criteria provided, single submitter. Criteria: Invitae Variant Classification Sherloc (09022015). Collection method: clinical testing. Allele origin: germline.
Comment: This sequence change replaces glutamine, which is neutral and polar, with histidine, which is basic and polar, at codon 547 of the AP3D1 protein (p.Gln547His). This variant is present in population databases (rs761975746, gnomAD 0.06%). This variant has not been reported in the literature in individuals affected with AP3D1-related conditions. ClinVar contains an entry for this variant (Variation ID: 1421953). An algorithm developed to predict the effect of missense changes on protein structure and function (PolyPhen-2) suggests that this variant is likely to be tolerated. In summary, the available evidence is currently insufficient to determine the role of this variant in disease. Therefore, it has been classified as a Variant of Uncertain Significance.

Ambry Genetics
Classification: Uncertain significance for Inborn genetic diseases. Last evaluated: 2023-08-08. Review status: criteria provided, single submitter. Criteria: Ambry Variant Classification Scheme 2023. Collection method: clinical testing. Allele origin: germline.